The following is an entry in ClinVar:

ClinVar aggregate classification (germline): Conflicting classifications of pathogenicity. Review status: criteria provided, conflicting classifications (1 of 4 stars). 3 submissions from 3 submitters: Uncertain significance (1); Benign (1); Likely benign (1). Last evaluated 2025-03-24.

Conditions:
Familial hypobetalipoproteinemia 1. Also called: Hypobetalipoproteinemia, normotriglyceridemic; Acanthocytosis with hypobetalipoproteinemia; APOB-Related Familial Hypobetalipoproteinemia. Identifiers: MedGen C4551990, MONDO:0014252, OMIM 615558.
Hypercholesterolemia, autosomal dominant, type B (FHCL2). Also called: Familial Hypercholesterolemia Type B; HYPERCHOLESTEROLEMIA, FAMILIAL, DUE TO LIGAND-DEFECTIVE APOLIPOPROTEIN B; Familial hypercholesterolemia 2; APOB-Related Familial Hypercholesterolemia, Autosomal Dominant; APOLIPOPROTEIN B-100, FAMILIAL DEFECTIVE; APOLIPOPROTEIN B-100, FAMILIAL LIGAND-DEFECTIVE. Identifiers: MedGen C1704417, MONDO:0007751, OMIM 144010.
Cardiovascular phenotype. Identifiers: MedGen CN230736.

Allele frequency attached by ClinVar (database versions not stated): gnomAD 0.00005; TOPMed 0.00006.
gnomAD v4.1: 23 of 1,613,870 alleles (0.0014%); highest among the groups gnomAD compares: African/African-American, 0.015%; no homozygotes.

Submissions (3):

Labcorp Genetics (formerly Invitae), Labcorp
Classification: Benign for Familial hypobetalipoproteinemia 1; Hypercholesterolemia, autosomal dominant, type B. Last evaluated: 2025-03-24. Review status: criteria provided, single submitter. Criteria: Invitae Variant Classification Sherloc (09022015). Collection method: clinical testing. Allele origin: germline.

ARUP Laboratories, Molecular Genetics and Genomics, ARUP Laboratories
Classification: Uncertain significance. Last evaluated: 2023-07-26. Review status: criteria provided, single submitter. Criteria: ARUP Molecular Germline Variant Investigation Process 2024. Collection method: clinical testing. Allele origin: germline.
Comment: The APOB c.8149G>A; p.Ala2717Thr variant (rs753292024), to our knowledge, is not reported in the medical literature but is reported in ClinVar (Variation ID: 922584). This variant is found in the general population with an overall allele frequency of 0.0018% (5/282,534 alleles) in the Genome Aggregation Database. Computational analyses predict that this variant is neutral (REVEL: 0.03). However, given the lack of clinical and functional data, the significance of this variant is uncertain at this time.

Ambry Genetics
Classification: Likely benign for Cardiovascular phenotype. Last evaluated: 2021-12-08. Review status: criteria provided, single submitter. Criteria: Ambry Variant Classification Scheme 2023. Collection method: clinical testing. Allele origin: germline.

NM_000384.3(APOB):c.8149G>A (p.Ala2717Thr)

Gene: APOB (apolipoprotein B; minus strand). Cytogenetic location: 2p24.1.
Variant type: single nucleotide variant.
Coding change: c.8149G>A on transcript NM_000384.3 (MANE Select); coding-DNA position 8149, G replaced by A.
Protein change: p.Ala2717Thr; replaces alanine 2717 with threonine.
Molecular consequence: missense variant.
Genome position (GRCh38, 1-based): chr2:21,008,719, C>T on the plus strand (G>A on the coding strand, the complement: APOB is on the minus strand). VCF-style: chr2-21008719-C-T. GRCh37 (hg19) VCF-style: chr2-21231591-C-T.
Other names: short protein forms A2717T.
Identifiers: ClinVar variation 922584 (VCV000922584.8), dbSNP rs753292024, ClinGen allele CA065215.